The following is an entry in ClinVar:

NM_020163.3(SEMA3G):c.1281T>C (p.Leu427=)

Gene: SEMA3G (semaphorin 3G; minus strand). Cytogenetic location: 3p21.1.
Variant type: single nucleotide variant.
Coding change: c.1281T>C on transcript NM_020163.3 (MANE Select); coding-DNA position 1281, T replaced by C.
Protein change: p.Leu427=; no amino-acid change (leucine 427 retained).
Molecular consequence: synonymous variant.
Genome position (GRCh38, 1-based): chr3:52,439,961, A>G on the plus strand (T>C on the coding strand, the complement: SEMA3G is on the minus strand). VCF-style: chr3-52439961-A-G. GRCh37 (hg19) VCF-style: chr3-52473977-A-G.
Identifiers: ClinVar variation 3353775 (VCV003353775.1).

ClinVar aggregate classification (germline): Likely benign (0 of 4 stars; one submission).

Conditions:
SEMA3G-related disorder. Also called: SEMA3G-related condition.

gnomAD v4.1: 2 of 1,613,814 alleles (0.00012%); highest among the groups gnomAD compares: Non-Finnish European, 0.00017%; no homozygotes.

Submission:

PreventionGenetics, part of Exact Sciences
Classification: Likely benign for SEMA3G-related condition. Last evaluated: 2022-08-01. Review status: no assertion criteria provided. Collection method: clinical testing. Allele origin: germline.
Comment: This variant is classified as likely benign based on ACMG/AMP sequence variant interpretation guidelines (Richards et al. 2015 PMID: 25741868, with internal and published modifications).